The following is an entry in ClinVar:

ClinVar aggregate classification (germline): Uncertain significance (1 of 4 stars; one submission).

Conditions:
Hereditary pancreatitis (PCTT). Also called: Hereditary chronic pancreatitis; PRSS1-Related Hereditary Pancreatitis. Identifiers: Orphanet 676, MedGen C0238339, MONDO:0008185, OMIM 167800.

Submission:

Ambry Genetics
Classification: Uncertain significance for Hereditary pancreatitis. Last evaluated: 2024-12-10. Review status: criteria provided, single submitter. Criteria: Ambry Variant Classification Scheme 2023. Collection method: clinical testing. Allele origin: germline.
Comment: The p.I88T variant (also known as c.263T>C), located in coding exon 3 of the PRSS1 gene, results from a T to C substitution at nucleotide position 263. The isoleucine at codon 88 is replaced by threonine, an amino acid with similar properties. This amino acid position is conserved. In addition, the in silico prediction for this alteration is inconclusive. Since supporting evidence is limited at this time, the clinical significance of this alteration remains unclear.

NM_002769.5(PRSS1):c.263T>C (p.Ile88Thr)

Genes: PRSS1 (serine protease 1; plus strand), TRB (T cell receptor beta locus; plus strand). Cytogenetic location: 7q34.
Variant type: single nucleotide variant.
Coding change: c.263T>C on transcript NM_002769.5 (MANE Select); coding-DNA position 263, T replaced by C.
Protein change: p.Ile88Thr; replaces isoleucine 88 with threonine.
Molecular consequence: missense variant. On other transcripts: non-coding transcript variant (4).
Genome position (GRCh38, 1-based): chr7:142,751,836, T>C. VCF-style: chr7-142751836-T-C. GRCh37 (hg19) VCF-style: chr7-142459687-T-C.
Other names: short protein forms I88T.
Identifiers: ClinVar variation 1794181 (VCV001794181.3), dbSNP rs1383806868, ClinGen allele CA369608579.